The following is an entry in ClinVar:

NM_000016.6(ACADM):c.891T>A (p.Asp297Glu)

Gene: ACADM (acyl-CoA dehydrogenase medium chain; plus strand). Cytogenetic location: 1p31.1.
Variant type: single nucleotide variant.
Coding change: c.891T>A on transcript NM_000016.6 (MANE Select); coding-DNA position 891, T replaced by A.
Protein change: p.Asp297Glu; replaces aspartic acid 297 with glutamic acid.
Molecular consequence: missense variant.
Genome position (GRCh38, 1-based): chr1:75,750,492, T>A. VCF-style: chr1-75750492-T-A. GRCh37 (hg19) VCF-style: chr1-76216177-T-A.
Other names: c.903T>A, p.Asp301Glu (NM_001127328.3); c.783T>A, p.Asp261Glu (NM_001286042.2); c.990T>A, p.Asp330Glu (NM_001286043.2); c.324T>A, p.Asp108Glu (NM_001286044.2); short protein forms D108E, D297E, D301E, D261E, D330E.
Identifiers: ClinVar variation 2133493 (VCV002133493.4), dbSNP rs2525652819, ClinGen allele CA340817043.

ClinVar aggregate classification (germline): Uncertain significance (1 of 4 stars; one submission).

Conditions:
Medium-chain acyl-coenzyme A dehydrogenase deficiency (ACADMD). Also called: CARNITINE DEFICIENCY SECONDARY TO MEDIUM-CHAIN ACYL-CoA DEHYDROGENASE DEFICIENCY; MCAD Deficiency; MCADH DEFICIENCY; Medium chain acyl-CoA dehydrogenase deficiency; MCADD; ACADM DEFICIENCY. Identifiers: Orphanet 42, MedGen C0220710, MONDO:0008721, OMIM 201450.

Submission:

Labcorp Genetics (formerly Invitae), Labcorp
Classification: Uncertain significance for Medium-chain acyl-coenzyme A dehydrogenase deficiency. Last evaluated: 2022-06-10. Review status: criteria provided, single submitter. Criteria: Invitae Variant Classification Sherloc (09022015). Collection method: clinical testing. Allele origin: germline.
Comment: In summary, the available evidence is currently insufficient to determine the role of this variant in disease. Therefore, it has been classified as a Variant of Uncertain Significance. Advanced modeling of protein sequence and biophysical properties (such as structural, functional, and spatial information, amino acid conservation, physicochemical variation, residue mobility, and thermodynamic stability) performed at Invitae indicates that this missense variant is not expected to disrupt ACADM protein function. This variant has not been reported in the literature in individuals affected with ACADM-related conditions. This variant is not present in population databases (gnomAD no frequency). This sequence change replaces aspartic acid, which is acidic and polar, with glutamic acid, which is acidic and polar, at codon 297 of the ACADM protein (p.Asp297Glu).